The following is an entry in ClinVar:

ClinVar aggregate classification (germline): Conflicting classifications of pathogenicity. Review status: criteria provided, conflicting classifications (1 of 4 stars). 3 submissions from 3 submitters: Uncertain significance (2); Likely benign (1). Last evaluated 2024-09-17.

Conditions:
Charcot-Marie-Tooth disease dominant intermediate B (CMTDIB). Also called: Charcot-Marie-Tooth disease dominant intermediate 1; CMT DI1; Charcot-Marie-Tooth disease dominant intermediate I; CHARCOT-MARIE-TOOTH NEUROPATHY, DOMINANT INTERMEDIATE B. Identifiers: Orphanet 100044, Orphanet 228179, MedGen C1847902, MONDO:0011674, OMIM 606482.
Inborn genetic diseases. Identifiers: MedGen C0950123, MeSH D030342.

Allele frequency attached by ClinVar (database versions not stated): gnomAD exomes below 0.00001 and 0.00001.

Submissions (3):

Labcorp Genetics (formerly Invitae), Labcorp
Classification: Uncertain significance for Charcot-Marie-Tooth disease dominant intermediate B. Last evaluated: 2024-09-17. Review status: criteria provided, single submitter. Criteria: Invitae Variant Classification Sherloc (09022015). Collection method: clinical testing. Allele origin: germline.
Comment: This sequence change replaces serine, which is neutral and polar, with asparagine, which is neutral and polar, at codon 822 of the DNM2 protein (p.Ser822Asn). This variant is present in population databases (no rsID available, gnomAD 0.0009%). This variant has not been reported in the literature in individuals affected with DNM2-related conditions. ClinVar contains an entry for this variant (Variation ID: 1438406). An algorithm developed to predict the effect of missense changes on protein structure and function outputs the following: PolyPhen-2: "Benign". The asparagine amino acid residue is found in multiple mammalian species, which suggests that this missense change does not adversely affect protein function. In summary, the available evidence is currently insufficient to determine the role of this variant in disease. Therefore, it has been classified as a Variant of Uncertain Significance.

Athena Diagnostics
Classification: Uncertain significance. Last evaluated: 2021-10-06. Review status: criteria provided, single submitter. Criteria: Athena Diagnostics Criteria. Collection method: clinical testing. Allele origin: unknown.

Ambry Genetics
Classification: Likely benign for Inborn genetic diseases. Last evaluated: 2020-09-16. Review status: criteria provided, single submitter. Criteria: Ambry Variant Classification Scheme 2023. Collection method: clinical testing. Allele origin: germline.

NM_001005361.3(DNM2):c.2465G>A (p.Ser822Asn)

Gene: DNM2 (dynamin 2; plus strand). Cytogenetic location: 19p13.2.
Variant type: single nucleotide variant.
Coding change: c.2465G>A on transcript NM_001005361.3 (MANE Select); coding-DNA position 2465, G replaced by A.
Protein change: p.Ser822Asn; replaces serine 822 with asparagine.
Molecular consequence: missense variant.
Genome position (GRCh38, 1-based): chr19:10,830,300, G>A. VCF-style: chr19-10830300-G-A. GRCh37 (hg19) VCF-style: chr19-10940976-G-A.
Other names: c.2465G>A, p.Ser822Asn (NM_001005360.3, NM_001190716.2); c.2453G>A, p.Ser818Asn (NM_001005362.3, NM_004945.4); short protein forms S818N, S822N.
Identifiers: ClinVar variation 1438406 (VCV001438406.11), dbSNP rs1301279979, ClinGen allele CA404044139.